The following is an entry in ClinVar:

ClinVar aggregate classification (germline): Uncertain significance. Review status: criteria provided, multiple submitters, no conflicts (2 of 4 stars). 6 submissions from 6 submitters: Uncertain significance (6). Last evaluated 2026-09-02.

Conditions:
MAP2K2-related disorder. Also called: MAP2K2-related condition.
Cardiovascular phenotype. Identifiers: MedGen CN230736.
Cardiofaciocutaneous syndrome 4 (CFC4). Also called: MAP2K2-Related Cardiofaciocutaneous Syndrome. Identifiers: Orphanet 1340, MedGen C3809007, MONDO:0014114, OMIM 615280.
RASopathy. Also called: rasopathies; Noonan spectrum disorder. Identifiers: Orphanet 536391, MedGen C5555857, MONDO:0021060.

Allele frequency attached by ClinVar (database versions not stated): gnomAD exomes below 0.00001; gnomAD 0.00001; TOPMed 0.00003.
gnomAD v4.1: 2 of 1,551,242 alleles (0.00013%); highest among the groups gnomAD compares: African/African-American, 0.0014%; no homozygotes.

Submissions (6):

PreventionGenetics, part of Exact Sciences
Classification: Uncertain significance for MAP2K2-related condition. Last evaluated: 2026-09-02. Review status: criteria provided, single submitter. Criteria: ACMG Guidelines, 2015. Collection method: clinical testing. Allele origin: germline.
Comment: The MAP2K2 c.1036G>A variant is predicted to result in the amino acid substitution p.Val346Ile. To our knowledge, this variant has not been reported in the literature or in a large population database (gnomAD), indicating this variant is rare. At this time, the clinical significance of this variant is uncertain due to the absence of conclusive functional and genetic evidence.

Ambry Genetics
Classification: Uncertain significance for Cardiovascular phenotype. Last evaluated: 2024-05-30. Review status: criteria provided, single submitter. Criteria: Ambry Variant Classification Scheme 2023. Collection method: clinical testing. Allele origin: germline.

Fulgent Genetics
Classification: Uncertain significance for Cardiofaciocutaneous syndrome 4. Last evaluated: 2024-04-24. Review status: criteria provided, single submitter. Criteria: ACMG Guidelines, 2015. Collection method: clinical testing. Allele origin: germline.

Labcorp Genetics (formerly Invitae), Labcorp
Classification: Uncertain significance for RASopathy. Last evaluated: 2023-10-22. Review status: criteria provided, single submitter. Criteria: Invitae Variant Classification Sherloc (09022015). Collection method: clinical testing. Allele origin: germline.
Comment: This sequence change replaces valine, which is neutral and non-polar, with isoleucine, which is neutral and non-polar, at codon 346 of the MAP2K2 protein (p.Val346Ile). This variant is not present in population databases (gnomAD no frequency). This variant has not been reported in the literature in individuals affected with MAP2K2-related conditions. ClinVar contains an entry for this variant (Variation ID: 372640). Advanced modeling performed at Invitae incorporating data from internal and/or published experimental studies (Invitae) indicates that this missense variant is not expected to disrupt MAP2K2 function. In summary, the available evidence is currently insufficient to determine the role of this variant in disease. Therefore, it has been classified as a Variant of Uncertain Significance.

GeneDx
Classification: Uncertain significance. Last evaluated: 2020-03-23. Review status: criteria provided, single submitter. Criteria: GeneDx Variant Classification Process June 2021. Collection method: clinical testing. Allele origin: germline. Affected: yes.
Comment: Not observed in large population cohorts (Lek et al., 2016); Missense variants in this gene are often considered pathogenic (Stenson et al., 2014); In silico analysis supports that this missense variant does not alter protein structure/function; Has not been previously published as pathogenic or benign to our knowledge

Women's Health and Genetics/Laboratory Corporation of America, LabCorp
Classification: Uncertain significance. Last evaluated: 2019-11-18. Review status: criteria provided, single submitter. Criteria: LabCorp Variant Classification Summary - May 2015. Collection method: clinical testing. Allele origin: germline.
Comment: Variant summary: MAP2K2 c.1036G>A (p.Val346Ile) results in a conservative amino acid change located in the Protein kinase domain (IPR000719) of the encoded protein sequence. Three of five in-silico tools predict a benign effect of the variant on protein function. The variant was absent in 156338 control chromosomes (gnomAD). The available data on variant occurrences in the general population are insufficient to allow any conclusion about variant significance. To our knowledge, no occurrence of c.1036G>A in individuals affected with Noonan Syndrome and Related Conditions and no experimental evidence demonstrating its impact on protein function have been reported. One clinical diagnostic laboratory has submitted clinical-significance assessments for this variant to ClinVar after 2014 without evidence for independent evaluation and classified the variant as uncertain significance. Based on the evidence outlined above, the variant was classified as uncertain significance.

NM_030662.4(MAP2K2):c.1036G>A (p.Val346Ile)

Gene: MAP2K2 (mitogen-activated protein kinase kinase 2; minus strand). Cytogenetic location: 19p13.3.
Variant type: single nucleotide variant.
Coding change: c.1036G>A on transcript NM_030662.4 (MANE Select); coding-DNA position 1036, G replaced by A.
Protein change: p.Val346Ile; replaces valine 346 with isoleucine.
Molecular consequence: missense variant.
Genome position (GRCh38, 1-based): chr19:4,095,398, C>T on the plus strand (G>A on the coding strand, the complement: MAP2K2 is on the minus strand). VCF-style: chr19-4095398-C-T. GRCh37 (hg19) VCF-style: chr19-4095396-C-T.
Other names: short protein forms V346I.
Identifiers: ClinVar variation 372640 (VCV000372640.15), dbSNP rs1015139062, ClinGen allele CA16043196.